The following is an entry in ClinVar:

NM_016356.5(DCDC2):c.258C>T (p.Tyr86=)

Genes: DCDC2 (doublecortin domain containing 2; minus strand), KAAG1 (kidney associated DCDC2 antisense RNA 1; plus strand). Cytogenetic location: 6p22.3.
Variant type: single nucleotide variant.
Coding change: c.258C>T on transcript NM_016356.5 (MANE Select); coding-DNA position 258, C replaced by T.
Protein change: p.Tyr86=; no amino-acid change (tyrosine 86 retained).
Molecular consequence: synonymous variant. On other transcripts: non-coding transcript variant (1).
Genome position (GRCh38, 1-based): chr6:24,357,493, G>A on the plus strand (C>T on the coding strand, the complement: DCDC2 is on the minus strand). VCF-style: chr6-24357493-G-A. GRCh37 (hg19) VCF-style: chr6-24357721-G-A.
Other names: c.258C>T, p.Tyr86= (NM_001195610.2).
Identifiers: ClinVar variation 3031949 (VCV003031949.3), dbSNP rs1232792336, ClinGen allele CA448963457.

ClinVar aggregate classification (germline): Likely benign. Review status: criteria provided, single submitter (1 of 4 stars). 2 submissions from 2 submitters: Likely benign (1). 1 of the submissions does not count toward it. Last evaluated 2019-10-15.

Conditions:
DCDC2-related disorder. Also called: DCDC2-related condition.

Allele frequency attached by ClinVar (database versions not stated): gnomAD exomes below 0.00001.
gnomAD v4.1: 8 of 1,610,338 alleles (0.0005%); highest among the groups gnomAD compares: Non-Finnish European, 0.00017%; no homozygotes.

Submissions (2):

Blueprint Genetics
Classification: Likely benign. Last evaluated: 2019-10-15. Review status: criteria provided, single submitter. Criteria: ACMG Guidelines, 2015. Collection method: clinical testing. Allele origin: germline.

PreventionGenetics, part of Exact Sciences
Classification: Likely benign for DCDC2-related condition. Last evaluated: 2021-08-31. Review status: no assertion criteria provided. Collection method: clinical testing. Allele origin: germline. Not counted in ClinVar's aggregate classification.
Comment: This variant is classified as likely benign based on ACMG/AMP sequence variant interpretation guidelines (Richards et al. 2015 PMID: 25741868, with internal and published modifications).